The following is an entry in ClinVar:

ClinVar aggregate classification (germline): Likely benign. Review status: criteria provided, multiple submitters, no conflicts (2 of 4 stars). 11 submissions from 11 submitters: Likely benign (7). 4 of the submissions do not count toward it. Last evaluated 2026-01-19.

Conditions:
SDCCAG8-related disorder. Also called: SDCCAG8-Related Disorders; SDCCAG8-related condition.
Inborn genetic diseases. Identifiers: MedGen C0950123, MeSH D030342.
Bardet-Biedl syndrome 16 (BBS16). Identifiers: Orphanet 110, MedGen C3889474, MONDO:0014444, OMIM 615993.
Senior-Loken syndrome 7 (SLSN7). Identifiers: Orphanet 3156, MedGen C3150877, MONDO:0013326, OMIM 613615.

Allele frequency attached by ClinVar (database versions not stated): 1000 Genomes Project 30x 0.00125; 1000 Genomes Project 0.00140; TOPMed 0.00225; ESP Exome Variant Server 0.00254.
gnomAD v4.1: 561 of 1,614,050 alleles (0.035%); highest among the groups gnomAD compares: African/African-American, 0.67%; 4 homozygotes.

Submissions (11):

Labcorp Genetics (formerly Invitae), Labcorp
Classification: Likely benign for Bardet-Biedl syndrome 16; Senior-Loken syndrome 7. Last evaluated: 2026-01-19. Review status: criteria provided, single submitter. Criteria: Invitae Variant Classification Sherloc (09022015). Collection method: clinical testing. Allele origin: germline.

Ambry Genetics
Classification: Likely benign for Inborn genetic diseases. Last evaluated: 2024-08-26. Review status: criteria provided, single submitter. Criteria: Ambry Variant Classification Scheme 2023. Collection method: clinical testing. Allele origin: germline.

Blueprint Genetics
Classification: Likely benign. Last evaluated: 2024-08-06. Review status: criteria provided, single submitter. Criteria: ACMG Guidelines, 2015. Collection method: clinical testing. Allele origin: germline.

Genetic Services Laboratory, University of Chicago
Classification: Likely benign. Last evaluated: 2021-12-20. Review status: criteria provided, single submitter. Criteria: ACMG Guidelines, 2015. Collection method: clinical testing. Allele origin: germline. Affected: no.

Center for Pediatric Genomic Medicine, Children's Mercy Hospital and Clinics
Classification: Likely benign. Last evaluated: 2016-12-30. Review status: criteria provided, single submitter. Criteria: ACMG Guidelines, 2015. Collection method: clinical testing. Allele origin: germline.
ClinVar note: Converted during submission from Likely Benign to Likely benign.

Eurofins Ntd Llc (ga)
Classification: Likely benign. Last evaluated: 2015-03-05. Review status: criteria provided, single submitter. Criteria: EGL Classification Definitions 2015. Collection method: clinical testing. Allele origin: germline. Observed: 1 variant allele, 1 heterozygote.

Breakthrough Genomics
Classification: Likely benign. Review status: criteria provided, single submitter. Criteria: ACMG Guidelines, 2015. Collection method: not provided. Allele origin: germline. Inheritance: Autosomal recessive inheritance. Affected: yes.

PreventionGenetics, part of Exact Sciences
Classification: Benign for SDCCAG8-related condition. Last evaluated: 2019-06-19. Review status: no assertion criteria provided. Collection method: clinical testing. Allele origin: germline. Not counted in ClinVar's aggregate classification.
Comment: This variant is classified as benign based on ACMG/AMP sequence variant interpretation guidelines (Richards et al. 2015 PMID: 25741868, with internal and published modifications).

Clinical Genetics DNA and cytogenetics Diagnostics Lab, Erasmus MC, Erasmus Medical Center
Classification: Likely benign. Review status: no assertion criteria provided. Collection method: clinical testing. Allele origin: germline. Affected: yes. Study: VKGL Data-share Consensus. Not counted in ClinVar's aggregate classification.

Genome Diagnostics Laboratory, University Medical Center Utrecht
Classification: Likely benign. Review status: no assertion criteria provided. Collection method: clinical testing. Allele origin: germline. Affected: yes. Study: VKGL Data-share Consensus. Not counted in ClinVar's aggregate classification.

Laboratory of Diagnostic Genome Analysis, Leiden University Medical Center (LUMC)
Classification: Likely benign. Review status: no assertion criteria provided. Collection method: clinical testing. Allele origin: germline. Affected: yes. Study: VKGL Data-share Consensus. Not counted in ClinVar's aggregate classification.

NM_006642.5(SDCCAG8):c.1094G>A (p.Arg365Lys)

Gene: SDCCAG8 (SHH signaling and ciliogenesis regulator SDCCAG8; plus strand). Cytogenetic location: 1q43.
Variant type: single nucleotide variant.
Coding change: c.1094G>A on transcript NM_006642.5 (MANE Select); coding-DNA position 1094, G replaced by A.
Protein change: p.Arg365Lys; replaces arginine 365 with lysine.
Molecular consequence: missense variant.
Genome position (GRCh38, 1-based): chr1:243,330,565, G>A. VCF-style: chr1-243330565-G-A. GRCh37 (hg19) VCF-style: chr1-243493867-G-A.
Other names: c.191G>A, p.Arg64Lys (NM_001350246.2, NM_001350247.2, NM_001350251.2); c.1190G>A, p.Arg397Lys (NM_001350248.2); c.800G>A, p.Arg267Lys (NM_001350249.2); short protein forms R365K, R64K, R397K, R267K.
Identifiers: ClinVar variation 193691 (VCV000193691.29), dbSNP rs115098969, ClinGen allele CA200732.
Genomic context (GRCh38, chr1:243,330,565, plus strand): 5'-CTAACCTCCTCTTTCAATCTGTTCTATCCTGGCAGGCTTTAATCCAGTGTGACCAGTTGA[G>A]GAAGGAGCTGGAGAGGCAGGCGGAGCGACTTGAAAAAGAACTTGCATCTCAGCAAGAGAA-3'
Protein context (NP_006633.1, residues 355-375): TKALIQCDQL[Arg365Lys]KELERQAERL